The following is an entry in ClinVar:

NM_005862.3(STAG1):c.133-19T>A

Gene: STAG1 (STAG1 cohesin complex component; minus strand). Cytogenetic location: 3q22.3.
Variant type: single nucleotide variant.
Coding change: c.133-19T>A on transcript NM_005862.3 (MANE Select); 19 bases into the intron before coding-DNA position 133, T replaced by A.
Molecular consequence: intron variant.
Genome position (GRCh38, 1-based): chr3:136,604,492, A>T on the plus strand (T>A on the coding strand, the complement: STAG1 is on the minus strand). VCF-style: chr3-136604492-A-T. GRCh37 (hg19) VCF-style: chr3-136323334-A-T.
Identifiers: ClinVar variation 3902268 (VCV003902268.1).

ClinVar aggregate classification (germline): Likely benign (1 of 4 stars; one submission).

gnomAD v4.1: 8 of 1,584,438 alleles (0.0005%); highest among the groups gnomAD compares: East Asian, 0.018%; no homozygotes.

Submission:

Women's Health and Genetics/Laboratory Corporation of America, LabCorp
Classification: Likely benign. Last evaluated: 2025-05-13. Review status: criteria provided, single submitter. Criteria: LabCorp Variant Classification Summary - May 2015. Collection method: clinical testing. Allele origin: germline.
Comment: Variant summary: STAG1 c.133-19T>A alters a non-conserved nucleotide located at a position not widely known to affect splicing. Consensus agreement among computation tools predict no significant impact on normal splicing. However, these predictions have yet to be confirmed by functional studies. The variant allele was found at a frequency of 1.8e-05 in 224240 control chromosomes (gnomAD). The available data on variant occurrences in the general population are insufficient to allow any conclusion about variant significance. To our knowledge, no occurrence of c.133-19T>A in individuals affected with Mental Retardation, Autosomal Dominant 47 and no experimental evidence demonstrating its impact on protein function have been reported. No submitters have cited clinical-significance assessments for this variant to ClinVar. Based on the evidence outlined above, the variant was classified as likely benign.